The following is an entry in ClinVar:

NM_020549.5(CHAT):c.196C>A (p.Arg66Ser)

Gene: CHAT (choline O-acetyltransferase; plus strand). Cytogenetic location: 10q11.23.
Variant type: single nucleotide variant.
Coding change: c.196C>A on transcript NM_020549.5 (MANE Select); coding-DNA position 196, C replaced by A.
Protein change: p.Arg66Ser; replaces arginine 66 with serine.
Molecular consequence: missense variant. On other transcripts: 5 prime UTR variant (4), intron variant (2).
Genome position (GRCh38, 1-based): chr10:49,614,385, C>A. VCF-style: chr10-49614385-C-A. GRCh37 (hg19) VCF-style: chr10-50822431-C-A.
Other names: c.-159C>A (NM_001142929.2, NM_020985.4); c.-121C>A (NM_001142933.2); c.-229C>A (NM_001142934.2); c.-68-2117C>A (NM_020984.4); c.-69+1183C>A (NM_020986.4); short protein forms R66S.
Identifiers: ClinVar variation 2065461 (VCV002065461.1), dbSNP rs1022799648, ClinGen allele CA206622943.

ClinVar aggregate classification (germline): Uncertain significance (1 of 4 stars; one submission).

Conditions:
Familial infantile myasthenia (CMS6). Also called: MYASTHENIC SYNDROME, CONGENITAL, 6, PRESYNAPTIC; MYASTHENIC SYNDROME, PRESYNAPTIC, CONGENITAL, ASSOCIATED WITH EPISODIC APNEA; Congenital myasthenic syndrome type 6. Identifiers: Orphanet 590, MedGen C0393929, MONDO:0009689, OMIM 254210.

Allele frequency attached by ClinVar (database versions not stated): gnomAD 0.00001.
gnomAD v4.1: 7 of 1,543,810 alleles (0.00045%); highest among the groups gnomAD compares: African/African-American, 0.0014%; no homozygotes.

Submission:

Labcorp Genetics (formerly Invitae), Labcorp
Classification: Uncertain significance for Familial infantile myasthenia. Last evaluated: 2022-07-25. Review status: criteria provided, single submitter. Criteria: Invitae Variant Classification Sherloc (09022015). Collection method: clinical testing. Allele origin: germline.
Comment: This sequence change replaces arginine, which is basic and polar, with serine, which is neutral and polar, at codon 66 of the CHAT protein (p.Arg66Ser). This variant is present in population databases (no rsID available, gnomAD 0.002%). This variant has not been reported in the literature in individuals affected with CHAT-related conditions. Advanced modeling of protein sequence and biophysical properties (such as structural, functional, and spatial information, amino acid conservation, physicochemical variation, residue mobility, and thermodynamic stability) performed at Invitae indicates that this missense variant is not expected to disrupt CHAT protein function. In summary, the available evidence is currently insufficient to determine the role of this variant in disease. Therefore, it has been classified as a Variant of Uncertain Significance.